The following is an entry in ClinVar:

ClinVar aggregate classification (germline): Uncertain significance. Review status: criteria provided, multiple submitters, no conflicts (2 of 4 stars). 2 submissions from 2 submitters: Uncertain significance (2). Last evaluated 2025-05-27.

Conditions:
DYRK1A-related intellectual disability syndrome (MRD7). Also called: DYRK1A Syndrome; Intellectual developmental disorder, autosomal dominant 7. Identifiers: Orphanet 464306, MedGen C5568143, MONDO:0013578, OMIM 614104.

Submissions (2):

GeneDx
Classification: Uncertain significance. Last evaluated: 2025-05-27. Review status: criteria provided, single submitter. Criteria: GeneDx Variant Classification Process June 2021. Collection method: clinical testing. Allele origin: germline. Affected: yes.
Comment: Not observed at significant frequency in large population cohorts (gnomAD); In silico analysis suggests that this missense variant does not alter protein structure/function; Has not been previously published as pathogenic or benign to our knowledge

Labcorp Genetics (formerly Invitae), Labcorp
Classification: Uncertain significance for DYRK1A-related intellectual disability syndrome. Last evaluated: 2024-09-16. Review status: criteria provided, single submitter. Criteria: Invitae Variant Classification Sherloc (09022015). Collection method: clinical testing. Allele origin: germline.
Comment: This sequence change replaces tyrosine, which is neutral and polar, with cysteine, which is neutral and slightly polar, at codon 633 of the DYRK1A protein (p.Tyr633Cys). This variant is not present in population databases (gnomAD no frequency). This variant has not been reported in the literature in individuals affected with DYRK1A-related conditions. ClinVar contains an entry for this variant (Variation ID: 2085551). An algorithm developed to predict the effect of missense changes on protein structure and function (PolyPhen-2) suggests that this variant is likely to be disruptive. In summary, the available evidence is currently insufficient to determine the role of this variant in disease. Therefore, it has been classified as a Variant of Uncertain Significance.

NM_001347721.2(DYRK1A):c.1871A>G (p.Tyr624Cys)

Gene: DYRK1A (dual specificity tyrosine phosphorylation regulated kinase 1A; plus strand). Cytogenetic location: 21q22.13.
Variant type: single nucleotide variant.
Coding change: c.1871A>G on transcript NM_001347721.2 (MANE Select); coding-DNA position 1871, A replaced by G.
Protein change: p.Tyr624Cys; replaces tyrosine 624 with cysteine.
Molecular consequence: missense variant. On other transcripts: 3 prime UTR variant (2).
Genome position (GRCh38, 1-based): chr21:37,512,137, A>G. VCF-style: chr21-37512137-A-G. GRCh37 (hg19) VCF-style: chr21-38884440-A-G.
Other names: c.1898A>G (NM_001396.3); c.1871A>G, p.Tyr624Cys (NM_001347722.2, NM_130436.2); c.1784A>G, p.Tyr595Cys (NM_001347723.2); c.1898A>G, p.Tyr633Cys (NM_001396.5); c.*274A>G (NM_101395.2); c.*183A>G (NM_130438.2); short protein forms Y624C, Y633C, Y595C.
Identifiers: ClinVar variation 2085551 (VCV002085551.5), dbSNP rs147650865, ClinGen allele CA409939773.